The following is an entry in ClinVar:

ClinVar aggregate classification (germline): Uncertain significance (1 of 4 stars; one submission).

Conditions:
Andersen Tawil syndrome (LQT7). Also called: ANDERSEN CARDIODYSRHYTHMIC PERIODIC PARALYSIS; LONG QT SYNDROME 7; PERIODIC PARALYSIS, POTASSIUM-SENSITIVE CARDIODYSRHYTHMIC TYPE; Andersen Syndrome; Potassium-sensitive periodic paralysis, ventricular ectopy, and dysmorphic features. Identifiers: Orphanet 37553, MedGen C1563715, MONDO:0008222, OMIM 170390.
Short QT syndrome type 3. Identifiers: Orphanet 51083, MedGen C1865018, MONDO:0012314, OMIM 609622.

gnomAD v4.1: 1 of 1,614,056 alleles (0.000062%); highest among the groups gnomAD compares: Non-Finnish European, 0.000085%; no homozygotes.

Submission:

Labcorp Genetics (formerly Invitae), Labcorp
Classification: Uncertain significance for Short QT syndrome type 3; Andersen Tawil syndrome. Last evaluated: 2025-12-23. Review status: criteria provided, single submitter. Criteria: Invitae Variant Classification Sherloc (09022015). Collection method: clinical testing. Allele origin: germline.
Comment: This sequence change replaces aspartic acid, which is acidic and polar, with glycine, which is neutral and non-polar, at codon 205 of the KCNJ2 protein (p.Asp205Gly). This variant is not present in population databases (gnomAD no frequency). This variant has not been reported in the literature in individuals affected with KCNJ2-related conditions. Invitae Evidence Modeling of protein sequence and biophysical properties (such as structural, functional, and spatial information, amino acid conservation, physicochemical variation, residue mobility, and thermodynamic stability) has been performed for this missense variant. However, the output from this modeling did not meet the statistical confidence thresholds required to predict the impact of this variant on KCNJ2 protein function. Experimental studies have shown that this missense change does not substantially affect KCNJ2 function (PMID: 8521810). In summary, the available evidence is currently insufficient to determine the role of this variant in disease. Therefore, it has been classified as a Variant of Uncertain Significance.

Literature cited by the submitters: PubMed 8521810.

NM_000891.3(KCNJ2):c.614A>G (p.Asp205Gly)

Gene: KCNJ2 (potassium inwardly rectifying channel subfamily J member 2; plus strand). Cytogenetic location: 17q24.3.
Variant type: single nucleotide variant.
Coding change: c.614A>G on transcript NM_000891.3 (MANE Select); coding-DNA position 614, A replaced by G.
Protein change: p.Asp205Gly; replaces aspartic acid 205 with glycine.
Molecular consequence: missense variant.
Genome position (GRCh38, 1-based): chr17:70,175,653, A>G. VCF-style: chr17-70175653-A-G. GRCh37 (hg19) VCF-style: chr17-68171794-A-G.
Other names: short protein forms D205G.
Identifiers: ClinVar variation 4792106 (VCV004792106.1).